The following is an entry in ClinVar:

ClinVar aggregate classification (germline): Uncertain significance (1 of 4 stars; one submission).

Allele frequency attached by ClinVar (database versions not stated): gnomAD exomes below 0.00001.
gnomAD v4.1: 1 of 1,609,706 alleles (0.000062%); highest among the groups gnomAD compares: Non-Finnish European, 0.000085%; no homozygotes.

Submission:

Labcorp Genetics (formerly Invitae), Labcorp
Classification: Uncertain significance. Last evaluated: 2020-06-30. Review status: criteria provided, single submitter. Criteria: Invitae Variant Classification Sherloc (09022015). Collection method: clinical testing. Allele origin: germline.
Comment: This sequence change replaces aspartic acid with tyrosine at codon 156 of the PLEKHM2 protein (p.Asp156Tyr). The aspartic acid residue is highly conserved and there is a large physicochemical difference between aspartic acid and tyrosine. This variant is not present in population databases (ExAC no frequency). This variant has not been reported in the literature in individuals with PLEKHM2-related conditions. Algorithms developed to predict the effect of missense changes on protein structure and function (SIFT, PolyPhen-2, Align-GVGD) all suggest that this variant is likely to be disruptive, but these predictions have not been confirmed by published functional studies and their clinical significance is uncertain. Algorithms developed to predict the effect of sequence changes on RNA splicing suggest that this variant may disrupt the consensus splice site, but this prediction has not been confirmed by published transcriptional studies. In summary, the available evidence is currently insufficient to determine the role of this variant in disease. Therefore, it has been classified as a Variant of Uncertain Significance.

NM_015164.4(PLEKHM2):c.466G>T (p.Asp156Tyr)

Gene: PLEKHM2 (pleckstrin homology and RUN domain containing M2; plus strand). Cytogenetic location: 1p36.21.
Variant type: single nucleotide variant.
Coding change: c.466G>T on transcript NM_015164.4 (MANE Select); coding-DNA position 466, G replaced by T.
Protein change: p.Asp156Tyr; replaces aspartic acid 156 with tyrosine.
Molecular consequence: missense variant.
Genome position (GRCh38, 1-based): chr1:15,719,734, G>T. VCF-style: chr1-15719734-G-T. GRCh37 (hg19) VCF-style: chr1-16046229-G-T.
Other names: short protein forms D156Y.
Identifiers: ClinVar variation 1056644 (VCV001056644.9), dbSNP rs1206630127, ClinGen allele CA338580125.